The following is an entry in ClinVar:

ClinVar aggregate classification (germline): Pathogenic (1 of 4 stars; one submission).

Submission:

Labcorp Genetics (formerly Invitae), Labcorp
Classification: Pathogenic. Last evaluated: 2026-01-18. Review status: criteria provided, single submitter. Criteria: Invitae Variant Classification Sherloc (09022015). Collection method: clinical testing. Allele origin: germline.
Comment: This sequence change creates a premature translational stop signal (p.Gly1008Valfs*20) in the COL2A1 gene. It is expected to result in an absent or disrupted protein product. Loss-of-function variants in COL2A1 are known to be pathogenic (PMID: 20179744). This variant is not present in population databases (gnomAD no frequency). This premature translational stop signal has been observed in individual(s) with Stickler syndrome type 1 (PMID: 16752401). For these reasons, this variant has been classified as Pathogenic.

Literature cited by the submitters: PubMed 20179744; PubMed 16752401.

NM_001844.5(COL2A1):c.3023del (p.Gly1008fs)

Gene: COL2A1 (collagen type II alpha 1 chain; minus strand). Cytogenetic location: 12q13.11.
Variant type: Deletion.
Coding change: c.3023del on transcript NM_001844.5 (MANE Select); coding-DNA position 3023, one base deleted (G; older notation c.3023delG).
Protein change: p.Gly1008fs; shifts the reading frame from glycine 1008.
Molecular consequence: frameshift variant.
Genome position (GRCh38, 1-based): chr12:47,978,098, C deleted on the plus strand (G on the coding strand, the reverse complement: COL2A1 is on the minus strand); the first of 3 consecutive C bases (chr12:47,978,098-47,978,100); deleting any one gives the same sequence. VCF-style (leftmost placement, unchanged base first): chr12-47978097-AC-A. GRCh37 (hg19) VCF-style: chr12-48371880-AC-A.
Other names: c.2816del, p.Gly939fs (NM_033150.3); short protein forms G1008fs, G939fs.
Identifiers: ClinVar variation 4709940 (VCV004709940.1).